The following is an entry in ClinVar:

ClinVar aggregate classification (germline): Uncertain significance (1 of 4 stars; one submission).

Submission:

Women's Health and Genetics/Laboratory Corporation of America, LabCorp
Classification: Uncertain significance. Last evaluated: 2023-12-13. Review status: criteria provided, single submitter. Criteria: LabCorp Variant Classification Summary - May 2015. Collection method: clinical testing. Allele origin: germline.
Comment: Variant summary: GJB2 c.557C>A (p.Thr186Lys) results in a non-conservative amino acid change in the encoded protein sequence. Five of five in-silico tools predict a damaging effect of the variant on protein function. The variant was absent in 251314 control chromosomes (gnomAD). The available data on variant occurrences in the general population are insufficient to allow any conclusion about variant significance. c.557C>A has been reported in the literature in individuals affected with Non-Syndromic Hearing Loss without strong evidence of causality (Putcha_2007, Markova_2022). These reports do not provide unequivocal conclusions about association of the variant with Non-Syndromic Hearing Loss. To our knowledge, no experimental evidence demonstrating an impact on protein function has been reported. The following publications have been ascertained in the context of this evaluation (PMID: 17666888, 36579563). No submitters have cited clinical-significance assessments for this variant to ClinVar after 2014. Based on the evidence outlined above, the variant was classified as uncertain significance.

Literature cited by the submitters: PubMed 17666888; PubMed 36579563.

NM_004004.6(GJB2):c.557C>A (p.Thr186Lys)

Gene: GJB2 (gap junction protein beta 2; minus strand). Cytogenetic location: 13q12.11.
Variant type: single nucleotide variant.
Coding change: c.557C>A on transcript NM_004004.6 (MANE Select); coding-DNA position 557, C replaced by A.
Protein change: p.Thr186Lys; replaces threonine 186 with lysine.
Molecular consequence: missense variant.
Genome position (GRCh38, 1-based): chr13:20,189,025, G>T on the plus strand (C>A on the coding strand, the complement: GJB2 is on the minus strand). VCF-style: chr13-20189025-G-T. GRCh37 (hg19) VCF-style: chr13-20763164-G-T.
Other names: short protein forms T186K.
Identifiers: ClinVar variation 2691671 (VCV002691671.1), dbSNP rs753674300, ClinGen allele CA387460907.
Genomic context (GRCh38, chr13:20,189,025, plus strand): 5'-TTCAGCAGGATGCAAATTCCAGACACTGCAATCATGAACACTGTGAAGACAGTCTTCTCC[G>T]TGGGCCGGGACACAAAGCAGTCCACAGTGTTGGGACAAGGCCAGGCGTTGCACTTCACCA-3'
Protein context (NP_003995.2, residues 176-196): NTVDCFVSRP[Thr186Lys]EKTVFTVFMI